The following is an entry in ClinVar:

ClinVar aggregate classification (germline): Pathogenic. Review status: reviewed by expert panel (3 of 4 stars). 2 submissions from 2 submitters: Pathogenic (1). 1 of the submissions does not count toward it. Last evaluated 2016-10-18.

Conditions:
Breast-ovarian cancer, familial, susceptibility to, 1 (BROVCA1). Also called: BRCA1 Hereditary Breast and Ovarian Cancer; OVARIAN CANCER, SUSCEPTIBILITY TO. Identifiers: Orphanet 145, MedGen C2676676, MONDO:0011450, OMIM 604370. Disease mechanism: loss of function.

Submissions (2):

Evidence-based Network for the Interpretation of Germline Mutant Alleles (ENIGMA)
Classification: Pathogenic for Breast-ovarian cancer, familial, susceptibility to, 1. Last evaluated: 2016-10-18. Review status: reviewed by expert panel. Criteria: ENIGMA BRCA1/2 Classification Criteria (2015). Collection method: curation. Allele origin: germline.
Comment: Variant allele predicted to encode a truncated non-functional protein.

Consortium of Investigators of Modifiers of BRCA1/2 (CIMBA), c/o University of Cambridge
Classification: Pathogenic for Breast-ovarian cancer, familial, susceptibility to, 1. Last evaluated: 2015-10-02. Review status: criteria provided, single submitter. Criteria: CIMBA Mutation Classification guidelines May 2016. Collection method: clinical testing. Allele origin: germline. Not counted in ClinVar's aggregate classification.

NM_007294.4(BRCA1):c.1125_1132del (p.Asn376fs)

Gene: BRCA1 (BRCA1 DNA repair associated; minus strand). Cytogenetic location: 17q21.31.
Variant type: Deletion.
Coding change: c.1125_1132del on transcript NM_007294.4 (MANE Select); coding-DNA positions 1125 to 1132, 8 bases deleted (AAATAGCA; older notation c.1125_1132delAAATAGCA).
Protein change: p.Asn376fs; shifts the reading frame from asparagine 376.
Molecular consequence: frameshift variant. On other transcripts: intron variant (137).
Genome position (GRCh38, 1-based): chr17:43,094,399-43,094,406, TGCTATTT deleted on the plus strand (AAATAGCA on the coding strand, the reverse complement: BRCA1 is on the minus strand). VCF-style (leftmost placement, unchanged base first): chr17-43094398-CTGCTATTT-C. GRCh37 (hg19) VCF-style: chr17-41246415-CTGCTATTT-C.
Other names: 1244del8-ter380; c.1002_1009del, p.Asn335fs (NM_001407669.1, NM_001407674.1, NM_001407675.1 and 19 more transcripts); c.999_1006del, p.Asn334fs (NM_001407670.1, NM_001407671.1, NM_001407672.1 and 11 more transcripts); c.1125_1132del, p.Asn376fs (NM_001407684.1, NM_001407854.1, NM_001407858.1 and 30 more transcripts); c.984_991del, p.Asn329fs (NM_001407692.1, NM_001407694.1, NM_001407695.1 and 29 more transcripts); c.981_988del, p.Asn328fs (NM_001407740.1, NM_001407741.1, NM_001407742.1 and 20 more transcripts); c.912_919del, p.Asn305fs (NM_001407853.1, NM_001407894.1, NM_001407895.1 and 9 more transcripts); c.1122_1129del, p.Asn375fs (NM_001407860.1, NM_001407861.1, NM_001407587.1 and 22 more transcripts); and 42 more; short protein forms N329fs, N376fs, N264fs, N288fs, N80fs, N249fs, N308fs, N309fs.
Identifiers: ClinVar variation 266138 (VCV000266138.6), dbSNP rs886039928, ClinGen allele CA10589966.